The following is an entry in ClinVar:

ClinVar aggregate classification (germline): Conflicting classifications of pathogenicity. Review status: criteria provided, conflicting classifications (1 of 4 stars). 14 submissions from 14 submitters: Uncertain significance (3); Benign (3); Likely benign (7). 1 of the submissions does not count toward it. Last evaluated 2026-02-04.

Conditions:
Hereditary nonpolyposis colorectal neoplasms. Identifiers: MedGen C0009405, MeSH D003123.
Mismatch repair cancer syndrome 4. Identifiers: MedGen C5436817, MONDO:0030843, OMIM 619101.
Lynch syndrome 4 (LYNCH4). Also called: Hereditary non-polyposis colorectal cancer, type 4; Colorectal cancer, hereditary nonpolyposis, type 4. Identifiers: Orphanet 144, MedGen C1838333, MONDO:0013699, OMIM 614337. Disease mechanism: loss of function.
Hereditary cancer-predisposing syndrome. Also called: Tumor predisposition; Neoplastic Syndromes, Hereditary; Hereditary neoplastic syndrome; Hereditary Cancer Syndrome. Identifiers: Orphanet 140162, MedGen C0027672, MeSH D009386, MONDO:0015356.

Allele frequency attached by ClinVar (database versions not stated): gnomAD exomes 0.00003 and 0.00004; ExAC 0.00005; gnomAD 0.00007 and 0.00011; TOPMed 0.00010; 1000 Genomes Project 30x 0.00062; 1000 Genomes Project 0.00080.

Submissions (14):

Labcorp Genetics (formerly Invitae), Labcorp
Classification: Benign for Hereditary nonpolyposis colorectal neoplasms. Last evaluated: 2026-02-04. Review status: criteria provided, single submitter. Criteria: Invitae Variant Classification Sherloc (09022015). Collection method: clinical testing. Allele origin: germline.

Dasa
Classification: Likely benign. Last evaluated: 2025-11-25. Review status: criteria provided, single submitter. Criteria: DASA Assertion Criteria. Collection method: clinical testing. Allele origin: germline.
Comment: NM_000535.7(PMS2):c.1280G>A (p.Arg427His) is a missense variant that results in the substitution of arginine with histidine. Population frequency is inconsistent with a disease-causing role for this variant. Computational prediction algorithms are consistent with a benign effect. Therefore, based on the currently available evidence, this variant is classified as likely benign.

Myriad Genetics, Inc.
Classification: Likely benign for Lynch syndrome 4. Last evaluated: 2025-05-29. Review status: criteria provided, single submitter. Criteria: Myriad Autosomal Dominant, Autosomal Recessive and X-Linked Classification Criteria (2023). Collection method: clinical testing. Allele origin: unknown.
Comment: This variant is considered likely benign. Homozygosity for this variant has been confirmed in one or more individuals lacking clinical features consistent with gene-specific recessive disease, indicating that this variant is unlikely to be pathogenic.

Quest Diagnostics Nichols Institute San Juan Capistrano
Classification: Uncertain significance. Last evaluated: 2025-02-06. Review status: criteria provided, single submitter. Criteria: Quest Diagnostics criteria. Collection method: clinical testing. Allele origin: unknown.
Comment: The PMS2 c.1280G>A (p.Arg427His) variant has been reported in the published literature in individuals affected with breast cancer (PMID: 25186627 (2015), 33471991 (2021), see also LOVD), and colon cancer (PMID: 27978560 (2018)). This variant has also been observed in reportedly healthy individuals (PMID: 33471991 (2021), see also LOVD). The frequency of this variant in the general population (Genome Aggregation Database) is higher than would generally be expected for pathogenic variants in this gene. Analysis of this variant using bioinformatics tools for the prediction of the effect of amino acid changes on protein structure and function yielded predictions that this variant is benign. Based on the available information, we are unable to determine the clinical significance of this variant.

Molecular Pathology, Peter Maccallum Cancer Centre
Classification: Likely benign for Lynch syndrome 4. Last evaluated: 2025-01-03. Review status: criteria provided, single submitter. Criteria: ACMG Guidelines, 2015. Collection method: clinical testing. Allele origin: germline. Inheritance: Autosomal dominant inheritance.

Color Diagnostics, LLC DBA Color Health
Classification: Benign for Hereditary cancer-predisposing syndrome. Last evaluated: 2024-10-17. Review status: criteria provided, single submitter. Criteria: ACMG Guidelines, 2015. Collection method: clinical testing. Allele origin: germline.

Mayo Clinic Laboratories, Mayo Clinic
Classification: Uncertain significance. Last evaluated: 2024-07-17. Review status: criteria provided, single submitter. Criteria: ACMG Guidelines, 2015. Collection method: clinical testing. Allele origin: germline. Observed: 6 variant alleles.
Comment: BP4

Women's Health and Genetics/Laboratory Corporation of America, LabCorp
Classification: Uncertain significance. Last evaluated: 2023-06-05. Review status: criteria provided, single submitter. Criteria: LabCorp Variant Classification Summary - May 2015. Collection method: clinical testing. Allele origin: germline.
Comment: Variant summary: PMS2 c.1280G>A (p.Arg427His) results in a non-conservative amino acid change in the encoded protein sequence. Four of five in-silico tools predict a benign effect of the variant on protein function. The variant allele was found at a frequency of 6e-05 in 282292 control chromosomes (gnomAD), predominantly at a frequency of 0.00064 within the African or African-American subpopulation in the gnomAD database. The observed variant frequency within African or African-American control individuals in the gnomAD database is approximately 6 fold of the estimated maximal expected allele frequency for a pathogenic variant in PMS2 causing Lynch Syndrome phenotype (0.00011), suggesting that the variant is a benign polymorphism found primarily in populations of African or African-American origin. However, this region of the PMS2 gene has high sequence identity with pseudogene PMS2CL, lowering the confidence of the observed frequency in control populations. c.1280G>A has been reported in the literature in individuals affected with breast cancer (Tung_2015, Dorling_2021) and colorectal cancer (Pearlman_2017). These reports do not provide unequivocal conclusions about association of the variant with Lynch Syndrome. To our knowledge, no experimental evidence demonstrating an impact on protein function has been reported. The following publications have been ascertained in the context of this evaluation (PMID: 27978560, 25186627, 33471991). Six ClinVar submitters have assessed the variant since 2014: four classified the variant as likely benign, and two as benign. Based on the evidence outlined above, the variant was classified as VUS-possibly benign.

Fulgent Genetics
Classification: Likely benign for Lynch syndrome 4; Mismatch repair cancer syndrome 4. Last evaluated: 2022-05-13. Review status: criteria provided, single submitter. Criteria: ACMG Guidelines, 2015. Collection method: clinical testing. Allele origin: unknown.

Blueprint Genetics
Classification: Likely benign. Last evaluated: 2020-11-03. Review status: criteria provided, single submitter. Criteria: ACMG Guidelines, 2015. Collection method: clinical testing. Allele origin: germline.

Mendelics
Classification: Likely benign for Lynch syndrome 4. Last evaluated: 2019-05-28. Review status: criteria provided, single submitter. Criteria: Mendelics Assertion Criteria 2017. Collection method: clinical testing. Allele origin: unknown.

GeneDx
Classification: Likely benign. Last evaluated: 2017-01-04. Review status: criteria provided, single submitter. Criteria: GeneDx Variant Classification (06012015). Collection method: clinical testing. Allele origin: germline. Affected: yes.
Comment: This variant is considered likely benign or benign based on one or more of the following criteria: it is a conservative change, it occurs at a poorly conserved position in the protein, it is predicted to be benign by multiple in silico algorithms, and/or has population frequency not consistent with disease.

Ambry Genetics
Classification: Benign for Hereditary cancer-predisposing syndrome. Last evaluated: 2016-11-08. Review status: criteria provided, single submitter. Criteria: Ambry Variant Classification Scheme 2023. Collection method: clinical testing. Allele origin: germline.

Department of Pathology and Laboratory Medicine, Sinai Health System
Classification: Likely benign. Review status: no assertion criteria provided. Collection method: clinical testing. Allele origin: unknown. Affected: yes. Observed: 1 variant allele. Study: The Canadian Open Genetics Repository (COGR). Not counted in ClinVar's aggregate classification.
Comment: The PMS2 p.Arg427His variant was not identified in the literature. The variant was identified in dbSNP (ID: rs112902065) as "With Uncertain significance allele", and in ClinVar (classified as benign by Ambry Genetics, as likely benign by GeneDx and as uncertain significance by Invitae). The variant was identified in control databases in 17 of 276672 chromosomes at a frequency of 0.00006 (Genome Aggregation Database Feb 27, 2017). The variant was observed in the following populations: African in 16 of 24004 chromosomes (freq: 0.0007), European in 1 of 126340 chromosomes (freq: 0.000008), while the variant was not observed in the Other, Latino, Ashkenazi Jewish, East Asian, Finnish, and South Asian populations. The p.Arg427 residue is not conserved in mammals and computational analyses (PolyPhen-2, SIFT, AlignGVGD, BLOSUM, MutationTaster) do not suggest a high likelihood of impact to the protein; however, this information is not predictive enough to rule out pathogenicity. The variant occurs outside of the splicing consensus sequence and in silico or computational prediction software programs (SpliceSiteFinder, MaxEntScan, NNSPLICE, GeneSplicer,) do not predict a difference in splicing. In summary, based on the above information the clinical significance of this variant cannot be determined with certainty at this time although we would lean towards a more benign role for this variant. This variant is classified as likely benign.

Literature cited by the submitters: PubMed 27978560 (cited by 3 submitters); PubMed 33471991 (cited by Quest Diagnostics Nichols Institute San Juan Capistrano and Women's Health and Genetics/Laboratory Corporation of America, LabCorp); PubMed 25186627 (cited by 3 submitters).

NM_000535.7(PMS2):c.1280G>A (p.Arg427His)

Gene: PMS2 (PMS1 homolog 2, mismatch repair system component; minus strand). Cytogenetic location: 7p22.1.
Variant type: single nucleotide variant.
Coding change: c.1280G>A on transcript NM_000535.7 (MANE Select); coding-DNA position 1280, G replaced by A.
Protein change: p.Arg427His; replaces arginine 427 with histidine.
Molecular consequence: missense variant. On other transcripts: non-coding transcript variant (1).
Genome position (GRCh38, 1-based): chr7:5,987,485, C>T on the plus strand (G>A on the coding strand, the complement: PMS2 is on the minus strand). VCF-style: chr7-5987485-C-T. GRCh37 (hg19) VCF-style: chr7-6027116-C-T.
Other names: p.Arg427His; c.875G>A, p.Arg292His (NM_001322003.2, NM_001322004.2, NM_001322005.2 and 1 more transcripts); c.1124G>A, p.Arg375His (NM_001322006.2); c.962G>A, p.Arg321His (NM_001322007.2, NM_001322008.2); c.719G>A, p.Arg240His (NM_001322010.2); c.347G>A, p.Arg116His (NM_001322011.2, NM_001322012.2); c.707G>A, p.Arg236His (NM_001322013.2); c.1280G>A, p.Arg427His (NM_001322014.2); and 1 more; short protein forms R427H, R375H, R116H, R236H, R324H, R292H, R321H, R240H.
Identifiers: ClinVar variation 185424 (VCV000185424.29), dbSNP rs112902065, ClinGen allele CA009478.